The following is an entry in ClinVar:

ClinVar aggregate classification (germline): Uncertain significance. Review status: criteria provided, multiple submitters, no conflicts (2 of 4 stars). 2 submissions from 2 submitters: Uncertain significance (2). Last evaluated 2025-03-17.

Submissions (2):

GeneDx
Classification: Uncertain significance. Last evaluated: 2025-03-17. Review status: criteria provided, single submitter. Criteria: GeneDx Variant Classification Process June 2021. Collection method: clinical testing. Allele origin: germline. Affected: yes.
Comment: Not observed at significant frequency in large population cohorts (gnomAD); In silico analysis supports that this missense variant has a deleterious effect on protein structure/function; Has not been previously published as pathogenic or benign to our knowledge

Blueprint Genetics
Classification: Uncertain significance. Last evaluated: 2020-01-27. Review status: criteria provided, single submitter. Criteria: ACMG Guidelines, 2015. Collection method: clinical testing. Allele origin: germline.

NM_001429.4(EP300):c.1187C>G (p.Ser396Cys)

Gene: EP300 (EP300 lysine acetyltransferase; plus strand). Cytogenetic location: 22q13.2.
Variant type: single nucleotide variant.
Coding change: c.1187C>G on transcript NM_001429.4 (MANE Select); coding-DNA position 1187, C replaced by G.
Protein change: p.Ser396Cys; replaces serine 396 with cysteine.
Molecular consequence: missense variant.
Genome position (GRCh38, 1-based): chr22:41,129,908, C>G. VCF-style: chr22-41129908-C-G. GRCh37 (hg19) VCF-style: chr22-41525912-C-G.
Other names: c.1187C>G, p.Ser396Cys (NM_001362843.2); short protein forms S396C.
Identifiers: ClinVar variation 4086475 (VCV004086475.2).